The following is an entry in ClinVar:

NM_182961.4(SYNE1):c.8812T>C (p.Phe2938Leu)

Genes: SYNE1 (spectrin repeat containing nuclear envelope protein 1; minus strand), SYNE1-AS1 (SYNE1 antisense RNA 1; plus strand). Cytogenetic location: 6q25.2.
Variant type: single nucleotide variant.
Coding change: c.8812T>C on transcript NM_182961.4 (MANE Select); coding-DNA position 8812, T replaced by C.
Protein change: p.Phe2938Leu; replaces phenylalanine 2938 with leucine.
Molecular consequence: missense variant. On other transcripts: non-coding transcript variant (1).
Genome position (GRCh38, 1-based): chr6:152,381,203, A>G on the plus strand (T>C on the coding strand, the complement: SYNE1 is on the minus strand). VCF-style: chr6-152381203-A-G. GRCh37 (hg19) VCF-style: chr6-152702338-A-G.
Other names: c.8833T>C, p.Phe2945Leu (NM_033071.5); c.8812T>C (NM_182961.2); short protein forms F2938L, F2945L.
Identifiers: ClinVar variation 500931 (VCV000500931.14), dbSNP rs919427159, ClinGen allele CA150231667.
Genomic context (GRCh38, chr6:152,381,203, plus strand): 5'-ATTCCTGCTCCGAAAGGGCCATCTGGCTGACCAGGTTCTCCAAACAGCTCTGCGTTTGGA[A>G]TACACTGTCTTCCCACTGCTTCCAGTCGGCACGCAGGGCCTGCATCTCCGTGTGCATGAG-3'
Protein context (NP_892006.3, residues 2928-2948): ADWKQWEDSV[Phe2938Leu]QTQSCLENLV

ClinVar aggregate classification (germline): Uncertain significance. Review status: criteria provided, multiple submitters, no conflicts (2 of 4 stars). 3 submissions from 3 submitters: Uncertain significance (3). Last evaluated 2025-05-15.

Conditions:
Emery-Dreifuss muscular dystrophy 4, autosomal dominant (EDMD4). Also called: EMERY-DREIFUSS MUSCULAR DYSTROPHY 4 WITH VARIABLE FEATURES. Identifiers: Orphanet 261, MedGen C2751807, MONDO:0013071, OMIM 612998.
Autosomal recessive ataxia, Beauce type. Also called: SYNE1 Deficiency; Spinocerebellar ataxia, autosomal recessive 8; ATAXIA, RECESSIVE, OF BEAUCE; SYNE1-Related Autosomal Recessive Cerebellar Ataxia. Identifiers: Orphanet 88644, MedGen C1853116, MONDO:0012549, OMIM 610743.

Allele frequency attached by ClinVar (database versions not stated): gnomAD exomes 0.00001 and 0.00002; gnomAD 0.00007; TOPMed 0.00014.
gnomAD v4.1: 31 of 1,614,096 alleles (0.0019%); highest among the groups gnomAD compares: Admixed American, 0.025%; no homozygotes.

Submissions (3):

Labcorp Genetics (formerly Invitae), Labcorp
Classification: Uncertain significance for Emery-Dreifuss muscular dystrophy 4, autosomal dominant; Autosomal recessive ataxia, Beauce type. Last evaluated: 2025-05-15. Review status: criteria provided, single submitter. Criteria: Invitae Variant Classification Sherloc (09022015). Collection method: clinical testing. Allele origin: germline.
Comment: This sequence change replaces phenylalanine, which is neutral and non-polar, with leucine, which is neutral and non-polar, at codon 2945 of the SYNE1 protein (p.Phe2945Leu). This variant is present in population databases (no rsID available, gnomAD 0.003%). This variant has not been reported in the literature in individuals affected with SYNE1-related conditions. ClinVar contains an entry for this variant (Variation ID: 500931). An algorithm developed to predict the effect of missense changes on protein structure and function outputs the following: PolyPhen-2: "Benign". The leucine amino acid residue is found in multiple mammalian species, which suggests that this missense change does not adversely affect protein function. In summary, the available evidence is currently insufficient to determine the role of this variant in disease. Therefore, it has been classified as a Variant of Uncertain Significance.

Athena Diagnostics
Classification: Uncertain significance. Last evaluated: 2024-05-15. Review status: criteria provided, single submitter. Criteria: Athena Diagnostics Criteria. Collection method: clinical testing. Allele origin: unknown.
Comment: Available data are insufficient to determine the clinical significance of the variant at this time. The frequency of this variant in the general population is uninformative in assessment of its pathogenicity. Polyphen and MutationTaster predict this amino acid change may be benign.

Eurofins Ntd Llc (ga)
Classification: Uncertain significance. Last evaluated: 2017-03-21. Review status: criteria provided, single submitter. Criteria: EGL Classification Definitions 2015. Collection method: clinical testing. Allele origin: germline. Observed: 1 variant allele, 1 heterozygote.